The following is an entry in ClinVar:

NM_005886.3(KATNB1):c.700G>A (p.Val234Ile)

Gene: KATNB1 (katanin regulatory subunit B1; plus strand). Cytogenetic location: 16q21.
Variant type: single nucleotide variant.
Coding change: c.700G>A on transcript NM_005886.3 (MANE Select); coding-DNA position 700, G replaced by A.
Protein change: p.Val234Ile; replaces valine 234 with isoleucine.
Molecular consequence: missense variant.
Genome position (GRCh38, 1-based): chr16:57,752,597, G>A. VCF-style: chr16-57752597-G-A. GRCh37 (hg19) VCF-style: chr16-57786509-G-A.
Other names: c.700G>A (NM_005886.2); short protein forms V234I.
Identifiers: ClinVar variation 1908052 (VCV001908052.6), dbSNP rs781977681, ClinGen allele CA8080853.

ClinVar aggregate classification (germline): Uncertain significance. Review status: criteria provided, multiple submitters, no conflicts (2 of 4 stars). 2 submissions from 2 submitters: Uncertain significance (2). Last evaluated 2024-03-17.

Allele frequency attached by ClinVar (database versions not stated): TOPMed 0.00001; gnomAD 0.00003; gnomAD exomes 0.00003; ExAC 0.00004.
gnomAD v4.1: 57 of 1,565,410 alleles (0.0036%); highest among the groups gnomAD compares: South Asian, 0.032%; 1 homozygote.

Submissions (2):

GeneDx
Classification: Uncertain significance. Last evaluated: 2024-03-17. Review status: criteria provided, single submitter. Criteria: GeneDx Variant Classification Process June 2021. Collection method: clinical testing. Allele origin: germline. Affected: yes.
Comment: In silico analysis supports that this missense variant does not alter protein structure/function; Has not been previously published as pathogenic or benign to our knowledge

Labcorp Genetics (formerly Invitae), Labcorp
Classification: Uncertain significance. Last evaluated: 2022-07-26. Review status: criteria provided, single submitter. Criteria: Invitae Variant Classification Sherloc (09022015). Collection method: clinical testing. Allele origin: germline.
Comment: This sequence change replaces valine, which is neutral and non-polar, with isoleucine, which is neutral and non-polar, at codon 234 of the KATNB1 protein (p.Val234Ile). The frequency data for this variant in the population databases is considered unreliable, as metrics indicate poor data quality at this position in the gnomAD database. This variant has not been reported in the literature in individuals affected with KATNB1-related conditions. Advanced modeling of protein sequence and biophysical properties (such as structural, functional, and spatial information, amino acid conservation, physicochemical variation, residue mobility, and thermodynamic stability) performed at Invitae indicates that this missense variant is not expected to disrupt KATNB1 protein function. In summary, the available evidence is currently insufficient to determine the role of this variant in disease. Therefore, it has been classified as a Variant of Uncertain Significance.